The following is an entry in ClinVar:

ClinVar aggregate classification (germline): Uncertain significance. Review status: criteria provided, multiple submitters, no conflicts (2 of 4 stars). 2 submissions from 2 submitters: Uncertain significance (2). Last evaluated 2025-01-08.

Conditions:
Inborn genetic diseases. Identifiers: MedGen C0950123, MeSH D030342.

Allele frequency attached by ClinVar (database versions not stated): ExAC 0.00001; gnomAD exomes 0.00001; gnomAD 0.00003.
gnomAD v4.1: 24 of 1,613,872 alleles (0.0015%); highest among the groups gnomAD compares: Non-Finnish European, 0.0019%; no homozygotes.

Submissions (2):

Ambry Genetics
Classification: Uncertain significance for Inborn genetic diseases. Last evaluated: 2025-01-08. Review status: criteria provided, single submitter. Criteria: Ambry Variant Classification Scheme 2023. Collection method: clinical testing. Allele origin: germline.

Labcorp Genetics (formerly Invitae), Labcorp
Classification: Uncertain significance. Last evaluated: 2024-09-17. Review status: criteria provided, single submitter. Criteria: Invitae Variant Classification Sherloc (09022015). Collection method: clinical testing. Allele origin: germline.
Comment: This sequence change replaces isoleucine, which is neutral and non-polar, with methionine, which is neutral and non-polar, at codon 58 of the GHSR protein (p.Ile58Met). This variant is present in population databases (rs778689494, gnomAD 0.002%). This variant has not been reported in the literature in individuals affected with GHSR-related conditions. Invitae Evidence Modeling of protein sequence and biophysical properties (such as structural, functional, and spatial information, amino acid conservation, physicochemical variation, residue mobility, and thermodynamic stability) indicates that this missense variant is not expected to disrupt GHSR protein function with a negative predictive value of 80%. In summary, the available evidence is currently insufficient to determine the role of this variant in disease. Therefore, it has been classified as a Variant of Uncertain Significance.

NM_198407.2(GHSR):c.174C>G (p.Ile58Met)

Gene: GHSR (growth hormone secretagogue receptor; minus strand). Cytogenetic location: 3q26.31.
Variant type: single nucleotide variant.
Coding change: c.174C>G on transcript NM_198407.2 (MANE Select); coding-DNA position 174, C replaced by G.
Protein change: p.Ile58Met; replaces isoleucine 58 with methionine.
Molecular consequence: missense variant.
Genome position (GRCh38, 1-based): chr3:172,448,240, G>C on the plus strand (C>G on the coding strand, the complement: GHSR is on the minus strand). VCF-style: chr3-172448240-G-C. GRCh37 (hg19) VCF-style: chr3-172166030-G-C.
Other names: c.174C>G, p.Ile58Met (NM_004122.2); short protein forms I58M.
Identifiers: ClinVar variation 2747324 (VCV002747324.4), dbSNP rs778689494, ClinGen allele CA2706515.